The following is an entry in ClinVar:

ClinVar aggregate classification (germline): Uncertain significance (1 of 4 stars; one submission).

Conditions:
Brachyolmia-amelogenesis imperfecta syndrome. Also called: Tooth agenesis, selective, 6; Dental anomalies and short stature; PLATYSPONDYLY WITH AMELOGENESIS IMPERFECTA. Identifiers: Orphanet 2899, MedGen C1832594, MONDO:0011018, OMIM 601216. Disease mechanism: loss of function.

Submission:

Labcorp Genetics (formerly Invitae), Labcorp
Classification: Uncertain significance for Brachyolmia-amelogenesis imperfecta syndrome. Last evaluated: 2024-11-27. Review status: criteria provided, single submitter. Criteria: Invitae Variant Classification Sherloc (09022015). Collection method: clinical testing. Allele origin: germline.
Comment: This variant, c.88_105del, results in the deletion of 6 amino acid(s) of the LTBP3 protein (p.Leu30_Leu35del), but otherwise preserves the integrity of the reading frame. This variant is not present in population databases (gnomAD no frequency). This variant has not been reported in the literature in individuals affected with LTBP3-related conditions. Experimental studies and prediction algorithms are not available or were not evaluated, and the functional significance of this variant is currently unknown. In summary, the available evidence is currently insufficient to determine the role of this variant in disease. Therefore, it has been classified as a Variant of Uncertain Significance.

NM_001130144.3(LTBP3):c.76CTG[4] (p.Leu30_Leu35del)

Gene: LTBP3 (latent transforming growth factor beta binding protein 3; minus strand). Cytogenetic location: 11q13.1.
Variant type: Microsatellite.
Coding change: c.76CTG[4] on transcript NM_001130144.3 (MANE Select); four copies in a row of the 3-base unit CTG starting at c.76; the reference has ten copies in a row; six copies, 18 bases deleted.
Protein change: p.Leu30_Leu35del.
Molecular consequence: inframe deletion. On other transcripts: 5 prime UTR variant (1).
Genome position (GRCh38, 1-based): chr11:65,557,855-65,557,872, CAGCAGCAGCAGCAGCAG deleted on the plus strand (CTGCTGCTGCTGCTGCTG on the coding strand, the reverse complement: LTBP3 is on the minus strand); deleting any 18 consecutive bases within chr11:65,557,855-65,557,885 gives the same sequence; the position shown is the placement nearest the transcript's 3' end. VCF-style (leftmost placement, unchanged base first): chr11-65557854-CCAGCAGCAGCAGCAGCAG-C. GRCh37 (hg19) VCF-style: chr11-65325325-CCAGCAGCAGCAGCAGCAG-C.
Other names: c.-272CTG[4] (NM_001164266.1); c.76CTG[4], p.Leu30_Leu35del (NM_021070.4).
Identifiers: ClinVar variation 3616489 (VCV003616489.2).